The following is an entry in ClinVar:

ClinVar aggregate classification (germline): Uncertain significance (1 of 4 stars; one submission).

Conditions:
Thrombocytopenia 7. Also called: THROMBOCYTOPENIA, AUTOSOMAL DOMINANT, 7. Identifiers: MedGen C5436874, MONDO:0030867, OMIM 619130.

Submission:

3billion
Classification: Uncertain significance for Thrombocytopenia 7. Last evaluated: 2023-02-23. Review status: criteria provided, single submitter. Criteria: ACMG Guidelines, 2015. Collection method: clinical testing. Allele origin: unknown. Affected: yes.
Comment: The variant is not observed in the gnomAD v2.1.1 dataset. Missense changes are a common disease-causing mechanism. Therefore, this variant is classified as VUS according to the recommendation of ACMG/AMP guideline.

NM_001372123.1(IKZF5):c.459G>C (p.Leu153Phe)

Gene: IKZF5 (IKAROS family zinc finger 5; minus strand). Cytogenetic location: 10q26.13.
Variant type: single nucleotide variant.
Coding change: c.459G>C on transcript NM_001372123.1 (MANE Select); coding-DNA position 459, G replaced by C.
Protein change: p.Leu153Phe; replaces leucine 153 with phenylalanine.
Molecular consequence: missense variant.
Genome position (GRCh38, 1-based): chr10:122,994,581, C>G on the plus strand (G>C on the coding strand, the complement: IKZF5 is on the minus strand). VCF-style: chr10-122994581-C-G. GRCh37 (hg19) VCF-style: chr10-124754097-C-G.
Other names: c.459G>C, p.Leu153Phe (NM_001271840.1, NM_001372125.1, NM_001372126.1 and 3 more transcripts); c.255G>C, p.Leu85Phe (NM_001372124.1, NM_001372129.1, NM_001372130.1 and 1 more transcripts); short protein forms L153F, L85F.
Identifiers: ClinVar variation 2444044 (VCV002444044.1), dbSNP rs2493512119, ClinGen allele CA378612956.